The following is an entry in ClinVar:

NM_000475.5(NR0B1):c.1121G>A (p.Ser374Asn)

Gene: NR0B1 (nuclear receptor subfamily 0 group B member 1; minus strand). Cytogenetic location: Xp21.2.
Variant type: single nucleotide variant.
Coding change: c.1121G>A on transcript NM_000475.5 (MANE Select); coding-DNA position 1121, G replaced by A.
Protein change: p.Ser374Asn; replaces serine 374 with asparagine.
Molecular consequence: missense variant.
Genome position (GRCh38, 1-based): chrX:30,308,243, C>T on the plus strand (G>A on the coding strand, the complement: NR0B1 is on the minus strand). VCF-style: chrX-30308243-C-T. GRCh37 (hg19) VCF-style: chrX-30326360-C-T.
Other names: short protein forms S374N.
Identifiers: ClinVar variation 1387098 (VCV001387098.4), dbSNP rs1213986618, ClinGen allele CA412546404.
Genomic context (GRCh38, chrX:30,308,243, plus strand): 5'-CCAGTACCCTTACCCGGGTTAAAGAGCACGGTCCCCTTGAGGTAGGCGTACTCCTTGGTA[C>T]TGATGTTCAGACTCCAGCATTTGGAAAGAAAGCACTTGATGGCTTGGACCTGGGAGGCGG-3'
Protein context (NP_000466.2, residues 364-384): FLSKCWSLNI[Ser374Asn]TKEYAYLKGT

ClinVar aggregate classification (germline): Uncertain significance (1 of 4 stars; one submission).

Conditions:
Congenital adrenal hypoplasia, X-linked (AHC). Also called: X-linked AHC; X-Linked Adrenal Hypoplasia Congenita; Isolated X-Linked Adrenal Hypoplasia Congenita; ADRENAL HYPOPLASIA, CONGENITAL, WITH HYPOGONADOTROPIC HYPOGONADISM. Identifiers: Orphanet 95702, MedGen C0342482, MONDO:0010264, OMIM 300200. Disease mechanism: loss of function.
46,XY sex reversal 2. Also called: NR0B1-Related 46,XY CGD; NR0B1-related 46,XY complete gonadal dysgenesis; 46XY sex reversal 2, dosage-sensitive; 46,XY SEX REVERSAL, DAX1-RELATED; Dosage-sensitive sex reversal. Identifiers: MedGen C1848296, MONDO:0010226, OMIM 300018.

Allele frequency attached by ClinVar (database versions not stated): gnomAD exomes below 0.00001; TOPMed below 0.00001; gnomAD 0.00001.

Submission:

Labcorp Genetics (formerly Invitae), Labcorp
Classification: Uncertain significance for Congenital adrenal hypoplasia, X-linked; 46,XY sex reversal 2. Last evaluated: 2025-02-25. Review status: criteria provided, single submitter. Criteria: Invitae Variant Classification Sherloc (09022015). Collection method: clinical testing. Allele origin: germline.
Comment: This sequence change replaces serine, which is neutral and polar, with asparagine, which is neutral and polar, at codon 374 of the NR0B1 protein (p.Ser374Asn). This variant is not present in population databases (gnomAD no frequency). This variant has not been reported in the literature in individuals affected with NR0B1-related conditions. ClinVar contains an entry for this variant (Variation ID: 1387098). Invitae Evidence Modeling of protein sequence and biophysical properties (such as structural, functional, and spatial information, amino acid conservation, physicochemical variation, residue mobility, and thermodynamic stability) has been performed for this missense variant. However, the output from this modeling did not meet the statistical confidence thresholds required to predict the impact of this variant on NR0B1 protein function. In summary, the available evidence is currently insufficient to determine the role of this variant in disease. Therefore, it has been classified as a Variant of Uncertain Significance.